The following is an entry in ClinVar:

NM_001369268.1(ACAN):c.616G>A (p.Asp206Asn)

Gene: ACAN (aggrecan; plus strand). Cytogenetic location: 15q26.1.
Variant type: single nucleotide variant.
Coding change: c.616G>A on transcript NM_001369268.1 (MANE Select); coding-DNA position 616, G replaced by A.
Protein change: p.Asp206Asn; replaces aspartic acid 206 with asparagine.
Molecular consequence: missense variant.
Genome position (GRCh38, 1-based): chr15:88,840,173, G>A. VCF-style: chr15-88840173-G-A. GRCh37 (hg19) VCF-style: chr15-89383404-G-A.
Other names: c.616G>A, p.Asp206Asn (NM_001135.4, NM_001411096.1, NM_001411097.1 and 1 more transcripts); short protein forms D206N.
Identifiers: ClinVar variation 4976483 (VCV004976483.1).

ClinVar aggregate classification (germline): Uncertain significance (1 of 4 stars; one submission).

Submission:

GeneDx
Classification: Uncertain significance. Last evaluated: 2026-02-09. Review status: criteria provided, single submitter. Criteria: GeneDx Variant Classification Process June 2021. Collection method: clinical testing. Allele origin: germline.
Comment: Not observed at significant frequency in large population cohorts (gnomAD); In silico analysis supports that this missense variant has a deleterious effect on protein structure/function; Has not been previously published as pathogenic or benign to our knowledge